The following is an entry in ClinVar:

ClinVar aggregate classification (germline): Likely benign (0 of 4 stars; one submission).

Conditions:
HIVEP3-related disorder. Also called: HIVEP3-related condition.

Allele frequency attached by ClinVar (database versions not stated): ESP Exome Variant Server 0.00015; gnomAD 0.00027; 1000 Genomes Project 30x 0.00031; TOPMed 0.00032; 1000 Genomes Project 0.00040; ExAC 0.00046.
gnomAD v4.1: 513 of 1,610,578 alleles (0.032%); highest among the groups gnomAD compares: East Asian, 0.75%; 4 homozygotes.

Submission:

PreventionGenetics, part of Exact Sciences
Classification: Likely benign for HIVEP3-related condition. Last evaluated: 2019-12-11. Review status: no assertion criteria provided. Collection method: clinical testing. Allele origin: germline.
Comment: This variant is classified as likely benign based on ACMG/AMP sequence variant interpretation guidelines (Richards et al. 2015 PMID: 25741868, with internal and published modifications).

NM_024503.5(HIVEP3):c.3411A>G (p.Pro1137=)

Gene: HIVEP3 (HIVEP zinc finger 3; minus strand). Cytogenetic location: 1p34.2.
Variant type: single nucleotide variant.
Coding change: c.3411A>G on transcript NM_024503.5 (MANE Select); coding-DNA position 3411, A replaced by G.
Protein change: p.Pro1137=; no amino-acid change (proline 1137 retained).
Molecular consequence: synonymous variant.
Genome position (GRCh38, 1-based): chr1:41,581,387, T>C on the plus strand (A>G on the coding strand, the complement: HIVEP3 is on the minus strand). VCF-style: chr1-41581387-T-C. GRCh37 (hg19) VCF-style: chr1-42047058-T-C.
Other names: c.3411A>G, p.Pro1137= (NM_001127714.3).
Identifiers: ClinVar variation 3046027 (VCV003046027.2), dbSNP rs142985441, ClinGen allele CA797856.
Genomic context (GRCh38, chr1:41,581,387, plus strand): 5'-TCCTGGCTCATGCTGCACGAGATGCTGGAAGGAGAAAAGGGAGACTGGTGGGGGCAGGTA[T>C]GGCTTCTCATGCAGGGGTGTCTGGGCAACGGGGTGGTGGAACACTTGCAGTGCTTCTGTG-3'
Protein context (NP_078779.2, residues 1127-1147): PVAQTPLHEK[Pro1137=]YLPPPVSLFS